The following is an entry in ClinVar:

ClinVar aggregate classification (germline): Conflicting classifications of pathogenicity. Review status: criteria provided, conflicting classifications (1 of 4 stars). 9 submissions from 9 submitters: Uncertain significance (7); Benign (1). 1 of the submissions does not count toward it. Last evaluated 2025-09-11.

Conditions:
PMS2-related disorder. Also called: PMS2-related condition.
Hereditary nonpolyposis colorectal neoplasms. Identifiers: MedGen C0009405, MeSH D003123.
Hereditary cancer-predisposing syndrome. Also called: Neoplastic Syndromes, Hereditary; Hereditary Cancer Syndrome; Tumor predisposition; Hereditary neoplastic syndrome. Identifiers: Orphanet 140162, MedGen C0027672, MeSH D009386, MONDO:0015356.
Lynch syndrome. Identifiers: Orphanet 144, MedGen C4552100, MONDO:0005835. Disease mechanism: loss of function.
Lynch syndrome 4 (LYNCH4). Also called: Colorectal cancer, hereditary nonpolyposis, type 4; Hereditary non-polyposis colorectal cancer, type 4. Identifiers: Orphanet 144, MedGen C1838333, MONDO:0013699, OMIM 614337. Disease mechanism: loss of function.

Allele frequency attached by ClinVar (database versions not stated): gnomAD exomes below 0.00001; gnomAD 0.00001.
gnomAD v4.1: 5 of 1,611,944 alleles (0.00031%); highest among the groups gnomAD compares: Non-Finnish European, 0.00042%; no homozygotes.

Submissions (9):

Ambry Genetics
Classification: Uncertain significance for Hereditary cancer-predisposing syndrome. Last evaluated: 2025-09-11. Review status: criteria provided, single submitter. Criteria: Ambry Variant Classification Scheme 2023. Collection method: clinical testing. Allele origin: germline.
Comment: The p.L135V variant (also known as c.403C>G), located in coding exon 5 of the PMS2 gene, results from a C to G substitution at nucleotide position 403. The leucine at codon 135 is replaced by valine, an amino acid with highly similar properties. This amino acid position is highly conserved in available vertebrate species. In addition, this alteration is predicted to be deleterious by in silico analysis. Based on the available evidence, the clinical significance of this variant remains unclear.

Labcorp Genetics (formerly Invitae), Labcorp
Classification: Benign for Hereditary nonpolyposis colorectal neoplasms. Last evaluated: 2025-08-07. Review status: criteria provided, single submitter. Criteria: Invitae Variant Classification Sherloc (09022015). Collection method: clinical testing. Allele origin: germline.

Color Diagnostics, LLC DBA Color Health
Classification: Uncertain significance for Hereditary cancer-predisposing syndrome. Last evaluated: 2025-03-17. Review status: criteria provided, single submitter. Criteria: ACMG Guidelines, 2015. Collection method: clinical testing. Allele origin: germline.
Comment: This missense variant replaces leucine with valine at codon 135 of the PMS2 protein. Computational prediction is inconclusive regarding the impact of this variant on protein structure and function. To our knowledge, functional studies have not been reported for this variant. This variant has not been reported in individuals affected with PMS2-related disorders in the literature. This variant has been identified in 1/251142 chromosomes in the general population by the Genome Aggregation Database (gnomAD). The available evidence is insufficient to determine the role of this variant in disease conclusively. Therefore, this variant is classified as a Variant of Uncertain Significance.

Quest Diagnostics Nichols Institute San Juan Capistrano
Classification: Uncertain significance. Last evaluated: 2025-01-11. Review status: criteria provided, single submitter. Criteria: Quest Diagnostics criteria. Collection method: clinical testing. Allele origin: unknown.
Comment: The PMS2 c.403C>G (p.Leu135Val) variant has been reported in the published literature in an individual with bilateral breast cancer (PMID: 34326862 (2021)). The frequency of this variant in the general population (Genome Aggregation Database) is uninformative in the assessment of its pathogenicity. Analysis of this variant using bioinformatics tools for the prediction of the effect of amino acid changes on protein structure and function yielded conflicting predictions that this variant is benign or damaging. Based on the available information, we are unable to determine the clinical significance of this variant.

All of Us Research Program, National Institutes of Health
Classification: Uncertain significance for Lynch syndrome. Last evaluated: 2024-06-09. Review status: criteria provided, single submitter. Criteria: ACMG Guidelines, 2015. Collection method: clinical testing. Allele origin: germline. Inheritance: Autosomal dominant inheritance. Observed: 5 variant alleles, 5 heterozygotes.
Comment: This missense variant replaces leucine with valine at codon 135 of the PMS2 protein. Computational prediction tools and conservation analyses are inconclusive regarding the impact of this variant on protein structure and function. Splice site prediction tools suggest that this variant may not impact RNA splicing. To our knowledge, functional studies have not been performed for this variant. This variant has not been reported in individuals affected with hereditary cancer in the literature. This variant has been identified in 1/251142 chromosomes in the general population by the Genome Aggregation Database (gnomAD). The available evidence is insufficient to determine the role of this variant in disease conclusively. Therefore, this variant is classified as a Variant of Uncertain Significance.

This study involves interpretation of variants in research participants for the purpose of population health screening. Participant phenotype was not available at the time of variant classification. Additional details can be found in publication PMID: 35346344, PMCID: PMC8962531

Baylor Genetics
Classification: Uncertain significance for Lynch syndrome 4. Last evaluated: 2024-02-08. Review status: criteria provided, single submitter. Criteria: ACMG Guidelines, 2015. Collection method: clinical testing. Allele origin: unknown. Study: CSER-TexasKidsCanSeq.

Women's Health and Genetics/Laboratory Corporation of America, LabCorp
Classification: Uncertain significance. Last evaluated: 2024-01-29. Review status: criteria provided, single submitter. Criteria: LabCorp Variant Classification Summary - May 2015. Collection method: clinical testing. Allele origin: germline.
Comment: Variant summary: PMS2 c.403C>G (p.Leu135Val) results in a conservative amino acid change in the encoded protein sequence. Three of five in-silico tools predict a damaging effect of the variant on protein function. The variant allele was found at a frequency of 4e-06 in 251142 control chromosomes (gnomAD). The available data on variant occurrences in the general population are insufficient to allow any conclusion about variant significance. To our knowledge, no occurrence of c.403C>G in individuals affected with Lynch Syndrome and no experimental evidence demonstrating its impact on protein function have been reported. ClinVar contains an entry for this variant (Variation ID: 230165). Based on the evidence outlined above, the variant was classified as uncertain significance.

CeGaT Center for Human Genetics Tuebingen
Classification: Uncertain significance. Last evaluated: 2023-10-01. Review status: criteria provided, single submitter. Criteria: CeGaT Center For Human Genetics Tuebingen Variant Classification Criteria Version 2. Collection method: clinical testing. Allele origin: germline. Affected: yes. Observed: 1 variant allele.
Comment: PMS2: PM2:Supporting, BP4

PreventionGenetics, part of Exact Sciences
Classification: Uncertain significance for PMS2-related condition. Last evaluated: 2024-02-21. Review status: no assertion criteria provided. Collection method: clinical testing. Allele origin: germline. Not counted in ClinVar's aggregate classification.
Comment: The PMS2 c.403C>G variant is predicted to result in the amino acid substitution p.Leu135Val. To our knowledge, this variant has not been reported in the literature. This variant is reported in 0.00088% of alleles in individuals of European (Non-Finnish) descent in gnomAD and is interpreted as uncertain significance in ClinVar. At this time, the clinical significance of this variant is uncertain due to the absence of conclusive functional and genetic evidence.

Literature cited by the submitters: PubMed 39334433 (cited by Quest Diagnostics Nichols Institute San Juan Capistrano); PubMed 34326862 (cited by Quest Diagnostics Nichols Institute San Juan Capistrano).

NM_000535.7(PMS2):c.403C>G (p.Leu135Val)

Gene: PMS2 (PMS1 homolog 2, mismatch repair system component; minus strand). Cytogenetic location: 7p22.1.
Variant type: single nucleotide variant.
Coding change: c.403C>G on transcript NM_000535.7 (MANE Select); coding-DNA position 403, C replaced by G.
Protein change: p.Leu135Val; replaces leucine 135 with valine.
Molecular consequence: missense variant. On other transcripts: 5 prime UTR variant (8), non-coding transcript variant (1).
Genome position (GRCh38, 1-based): chr7:6,002,587, G>C on the plus strand (C>G on the coding strand, the complement: PMS2 is on the minus strand). VCF-style: chr7-6002587-G-C. GRCh37 (hg19) VCF-style: chr7-6042218-G-C.
Other names: c.-3C>G (NM_001322003.2, NM_001322004.2, NM_001322005.2 and 3 more transcripts); c.403C>G, p.Leu135Val (NM_001322006.2, NM_001322014.2); c.85C>G, p.Leu29Val (NM_001322007.2, NM_001322008.2); c.-482C>G (NM_001322011.2, NM_001322012.2); c.94C>G, p.Leu32Val (NM_001322015.2); short protein forms L135V, L32V, L29V.
Identifiers: ClinVar variation 230165 (VCV000230165.53), dbSNP rs876658423, ClinGen allele CA10578715.